The following is an entry in ClinVar:

NM_006648.4(WNK2):c.326G>A (p.Gly109Glu)

Gene: WNK2 (WNK lysine deficient protein kinase 2; plus strand). Cytogenetic location: 9q22.31.
Variant type: single nucleotide variant.
Coding change: c.326G>A on transcript NM_006648.4 (MANE Select); coding-DNA position 326, G replaced by A.
Protein change: p.Gly109Glu; replaces glycine 109 with glutamic acid.
Molecular consequence: missense variant.
Genome position (GRCh38, 1-based): chr9:93,185,255, G>A. VCF-style: chr9-93185255-G-A. GRCh37 (hg19) VCF-style: chr9-95947537-G-A.
Other names: c.326G>A, p.Gly109Glu (NM_001282394.3); short protein forms G109E.
Identifiers: ClinVar variation 3982195 (VCV003982195.1).
Genomic context (GRCh38, chr9:93,185,255, plus strand): 5'-CCCGCGGACGCCCCGCCGCCCCCGCGCCCGCAGCGCTGGTAGCGCAGCCGGGAGCCCCCG[G>A]AGCCCCCGCGGACGCCGGCCCCGAGCCCGTGGGCACGCAGGAGCCCGGCCCGGACCCCAT-3'
Protein context (NP_006639.3, residues 99-119): AALVAQPGAP[Gly109Glu]APADAGPEPV

ClinVar aggregate classification (germline): Uncertain significance (1 of 4 stars; one submission).

Submission:

Ambry Genetics
Classification: Uncertain significance. Last evaluated: 2025-06-08. Review status: criteria provided, single submitter. Criteria: Ambry Variant Classification Scheme 2023. Collection method: clinical testing. Allele origin: germline.
Comment: The p.G109E variant (also known as c.326G>A), located in coding exon 1 of the WNK2 gene, results from a G to A substitution at nucleotide position 326. The glycine at codon 109 is replaced by glutamic acid, an amino acid with similar properties. This amino acid position is conserved. In addition, this alteration is predicted to be tolerated by in silico analysis. Based on the available evidence, the clinical significance of this variant remains unclear.